The following is an entry in ClinVar:

NM_000038.6(APC):c.233_236del (p.Asp78fs)

Gene: APC (APC regulator of Wnt signaling pathway; plus strand). Cytogenetic location: 5q22.2.
Variant type: Deletion.
Coding change: c.233_236del on transcript NM_000038.6 (MANE Select); coding-DNA positions 233 to 236, 4 bases deleted (ATAG; older notation c.233_236delATAG).
Protein change: p.Asp78fs; shifts the reading frame from aspartic acid 78.
Molecular consequence: frameshift variant. On other transcripts: 5 prime UTR variant (1).
Genome position (GRCh38, 1-based): chr5:112,767,201-112,767,204, ATAG deleted; deleting any 4 consecutive bases within chr5:112,767,198-112,767,204 gives the same sequence; the c. name uses the placement nearest the transcript's 3' end. VCF-style (leftmost placement, unchanged base first): chr5-112767197-TTAGA-T. GRCh37 (hg19) VCF-style: chr5-112102894-TTAGA-T.
Other names: c.233_236del, p.Asp78fs (NM_001127510.3, NM_001354895.2, NM_001354896.2 and 2 more transcripts); c.263_266del, p.Asp88fs (NM_001127511.3, NM_001354897.2, NM_001354902.2); c.158_161del, p.Asp53fs (NM_001354898.2, NM_001354904.2); c.56_59del, p.Asp19fs (NM_001354900.2, NM_001354901.2, NM_001354905.2); c.-803_-800del (NM_001354906.2); c.233_236del (NM_000038.5); short protein forms D53fs, D19fs, D78fs, D88fs.
Identifiers: ClinVar variation 418005 (VCV000418005.45), dbSNP rs1064793020, ClinGen allele CA16618066.

ClinVar aggregate classification (germline): Pathogenic. Review status: criteria provided, multiple submitters, no conflicts (2 of 4 stars). 8 submissions from 8 submitters: Pathogenic (7). 1 of the submissions does not count toward it. Last evaluated 2025-11-02.

Conditions:
APC-related disorder. Also called: APC-related condition.
Hereditary cancer-predisposing syndrome. Also called: Tumor predisposition; Hereditary neoplastic syndrome; Hereditary Cancer Syndrome; Neoplastic Syndromes, Hereditary. Identifiers: Orphanet 140162, MedGen C0027672, MeSH D009386, MONDO:0015356.
Familial multiple polyposis syndrome (FAP). Also called: Familial adenomatous polyposis; Familial polyposis; Familial Adenomatous Polyposis (FAP); Classic familial adenomatous polyposis; Familial intestinal polyposis. Identifiers: Orphanet 733, MedGen C0032580, MONDO:0021055. Disease mechanism: loss of function.
Familial adenomatous polyposis 1 (FAP1). Also called: FAMILIAL ADENOMATOUS POLYPOSIS 1, ATTENUATED; POLYPOSIS, ADENOMATOUS INTESTINAL. Identifiers: MedGen C2713442, MONDO:0021056, OMIM 175100. Disease mechanism: loss of function.

Submissions (8):

Labcorp Genetics (formerly Invitae), Labcorp
Classification: Pathogenic for Familial adenomatous polyposis 1. Last evaluated: 2025-11-02. Review status: criteria provided, single submitter. Criteria: Invitae Variant Classification Sherloc (09022015). Collection method: clinical testing. Allele origin: germline.
Comment: This sequence change creates a premature translational stop signal (p.Asp78Alafs*7) in the APC gene. It is expected to result in an absent or disrupted protein product. Loss-of-function variants in APC are known to be pathogenic (PMID: 17963004, 20685668). This variant is not present in population databases (gnomAD no frequency). This premature translational stop signal has been observed in individual(s) with attenuated familial adenomatous polyposis (AFAP) (PMID: 8252630). This variant is also known as c.232_235del4. ClinVar contains an entry for this variant (Variation ID: 418005). For these reasons, this variant has been classified as Pathogenic.

Blueprint Genetics
Classification: Pathogenic for APC-related disorders. Last evaluated: 2024-10-11. Review status: criteria provided, single submitter. Criteria: ACMG Guidelines, 2015. Collection method: clinical testing. Allele origin: germline. Affected: yes. Observed: 1 variant allele.

CeGaT Center for Human Genetics Tuebingen
Classification: Pathogenic. Last evaluated: 2024-08-01. Review status: criteria provided, single submitter. Criteria: CeGaT Center For Human Genetics Tuebingen Variant Classification Criteria Version 2. Collection method: clinical testing. Allele origin: germline. Affected: yes. Observed: 6 variant alleles.
Comment: APC: PP1:Strong, PVS1:Strong, PM2, PP4

Myriad Genetics, Inc.
Classification: Pathogenic for Familial adenomatous polyposis 1. Last evaluated: 2023-04-25. Review status: criteria provided, single submitter. Criteria: Myriad Autosomal Dominant, Autosomal Recessive and X-Linked Classification Criteria (2023). Collection method: clinical testing. Allele origin: unknown.
Comment: This variant is considered pathogenic. This variant creates a frameshift predicted to result in premature protein truncation.

Ambry Genetics
Classification: Pathogenic for Hereditary cancer-predisposing syndrome. Last evaluated: 2022-12-29. Review status: criteria provided, single submitter. Criteria: Ambry Variant Classification Scheme 2023. Collection method: clinical testing. Allele origin: germline.
Comment: The c.233_236delATAG pathogenic mutation, located in coding exon 3 of the APC gene, results from a deletion of 4 nucleotides at nucleotide positions 233 to 236, causing a translational frameshift with a predicted alternate stop codon (p.D78Afs*7). This mutation was identified in a kindred affected with attenuated FAP (Spirio L et al. Cell, 1993 Dec;75:951-7). In addition to the clinical data presented in the literature, this alteration is expected to result in loss of function by premature protein truncation or nonsense-mediated mRNA decay. As such, this alteration is interpreted as a disease-causing mutation.

GeneDx
Classification: Pathogenic. Last evaluated: 2022-06-17. Review status: criteria provided, single submitter. Criteria: GeneDx Variant Classification Process June 2021. Collection method: clinical testing. Allele origin: germline. Affected: yes.
Comment: Frameshift variant predicted to result in protein truncation or nonsense mediated decay in a gene for which loss-of-function is a known mechanism of disease; Not observed at significant frequency in large population cohorts (gnomAD); Observed in individuals with a personal or family history consistent with pathogenic variants in this gene referred for genetic testing at GeneDx and in the published literature (Spirio 1993); This variant is associated with the following publications: (PMID: 8252630)

Women's Health and Genetics/Laboratory Corporation of America, LabCorp
Classification: Pathogenic for Familial multiple polyposis syndrome. Last evaluated: 2021-10-16. Review status: criteria provided, single submitter. Criteria: LabCorp Variant Classification Summary - May 2015. Collection method: clinical testing. Allele origin: germline.
Comment: Variant summary: APC c.233_236delATAG (p.Asp78AlafsX7) results in a premature termination codon, predicted to cause a truncation of the encoded protein or absence of the protein due to nonsense mediated decay, which are commonly known mechanisms for disease. Truncations downstream of this position have been classified as pathogenic by our laboratory. The variant was absent in 251310 control chromosomes (gnomAD). c.233_236delATAG has been reported in the literature in individuals affected with attenuated form of Familial Adenomatous Polyposis (example, Spirio_1993, Wu_2001, Wang_2019). This variant is also known as c.232_235del4 and c.230_233_delTAGA in the literature (Spirio_1993, Wu_2001 and Wang_2019). To our knowledge, no experimental evidence demonstrating an impact on protein function has been reported. Three clinical diagnostic laboratories have submitted clinical-significance assessments for this variant to ClinVar after 2014 and classified the variant as pathogenic. Based on the evidence outlined above, the variant was classified as pathogenic.

PreventionGenetics, part of Exact Sciences
Classification: Pathogenic for APC-related condition. Last evaluated: 2023-11-09. Review status: no assertion criteria provided. Collection method: clinical testing. Allele origin: germline. Not counted in ClinVar's aggregate classification.
Comment: The APC c.233_236delATAG variant is predicted to result in a frameshift and premature protein termination (p.Asp78Alafs*7). This variant has been reported in a family to be causative for attenuated adenomatous polyposis coli (Spirio et al. 1993. PubMed ID: 8252630, kindred 6). This variant has not been reported in the literature or in a large population database, indicating this variant is rare. This variant is interpreted as pathogenic in ClinVar. Frameshift variants in APC are expected to be pathogenic. This variant is interpreted as pathogenic.

Literature cited by the submitters: PubMed 17963004 (cited by Labcorp Genetics (formerly Invitae), Labcorp); PubMed 20685668 (cited by Labcorp Genetics (formerly Invitae), Labcorp); PubMed 8252630 (cited by 3 submitters); PubMed 31113927 (cited by Women's Health and Genetics/Laboratory Corporation of America, LabCorp); PubMed 1319115 (cited by Women's Health and Genetics/Laboratory Corporation of America, LabCorp); PubMed 11960572 (cited by Women's Health and Genetics/Laboratory Corporation of America, LabCorp).